The following is an entry in ClinVar:

ClinVar aggregate classification (germline): Benign. Review status: criteria provided, multiple submitters, no conflicts (2 of 4 stars). 3 submissions from 3 submitters: Benign (3). Last evaluated 2026-01-06.

Conditions:
Isolated focal non-epidermolytic palmoplantar keratoderma. Also called: Palmoplantar keratoderma, nonepidermolytic, focal 2. Identifiers: Orphanet 448264, MedGen C4225339, MONDO:0014622, OMIM 616400.

Allele frequency attached by ClinVar (database versions not stated): ESP Exome Variant Server 0.01084; ExAC 0.01099; gnomAD exomes 0.01490 and 0.01025; 1000 Genomes Project 0.00280; 1000 Genomes Project 30x 0.00297; TOPMed 0.00930; gnomAD 0.00993 and 0.01019.
gnomAD v4.1: 23,166 of 1,614,130 alleles (1.4%); highest among the groups gnomAD compares: Non-Finnish European, 1.8%; 193 homozygotes.

Submissions (3):

Labcorp Genetics (formerly Invitae), Labcorp
Classification: Benign. Last evaluated: 2026-01-06. Review status: criteria provided, single submitter. Criteria: Invitae Variant Classification Sherloc (09022015). Collection method: clinical testing. Allele origin: germline.

Illumina Laboratory Services, Illumina
Classification: Benign for Isolated focal non-epidermolytic palmoplantar keratoderma. Last evaluated: 2018-01-13. Review status: criteria provided, single submitter. Criteria: ICSL Variant Classification Criteria 13 December 2019. Collection method: clinical testing. Allele origin: germline.
Comment: This variant was observed in the ICSL laboratory as part of a predisposition screen in an ostensibly healthy population. It had not been previously curated by ICSL or reported in the Human Gene Mutation Database (HGMD: prior to June 1st, 2018), and was therefore a candidate for classification through an automated scoring system. Utilizing variant allele frequency, disease prevalence and penetrance estimates, and inheritance mode, an automated score was calculated to assess if this variant is too frequent to cause the disease. Based on the score and internal cut-off values, a variant classified as benign is not then subjected to further curation. The score for this variant resulted in a classification of benign for this disease.

Breakthrough Genomics
Classification: Benign. Review status: criteria provided, single submitter. Criteria: ACMG Guidelines, 2015. Collection method: not provided. Allele origin: germline. Inheritance: Autosomal dominant inheritance. Affected: yes.

NM_145068.4(TRPV3):c.2331T>C (p.Asn777=)

Gene: TRPV3 (transient receptor potential cation channel subfamily V member 3; minus strand). Cytogenetic location: 17p13.2.
Variant type: single nucleotide variant.
Coding change: c.2331T>C on transcript NM_145068.4 (MANE Select); coding-DNA position 2331, T replaced by C.
Protein change: p.Asn777=; no amino-acid change (asparagine 777 retained).
Molecular consequence: synonymous variant.
Genome position (GRCh38, 1-based): chr17:3,513,959, A>G on the plus strand (T>C on the coding strand, the complement: TRPV3 is on the minus strand). VCF-style: chr17-3513959-A-G. GRCh37 (hg19) VCF-style: chr17-3417253-A-G.
Other names: c.2334T>C, p.Asn778= (NM_001258205.2).
Identifiers: ClinVar variation 322752 (VCV000322752.13), dbSNP rs74362949, ClinGen allele CA8289107.